The following is an entry in ClinVar:

ClinVar aggregate classification (germline): Likely pathogenic (1 of 4 stars; one submission).

Conditions:
Developmental delay with variable intellectual impairment and behavioral abnormalities. Identifiers: MedGen C5193092, MONDO:0032745, OMIM 618430.

Submission:

Diagnostics Services (NGS), CSIR - Centre For Cellular And Molecular Biology
Classification: Likely pathogenic for Developmental delay with variable intellectual impairment and behavioral abnormalities. Last evaluated: 2025-01-20. Review status: criteria provided, single submitter. Criteria: ACMG Guidelines, 2015. Collection method: clinical testing. Allele origin: unknown. Affected: yes. Observed: 1 variant allele, 1 heterozygote.
Comment: The c.686del variant is not present in publicly available population databases like 1000 Genomes, EVS, gnomAD, Indian Exome Database or our internal database. This variant has neither been reported in the literature in individuals affected with TCF20-related conditions nor reported to clinical databases like Human Genome Mutation Database (HGMD), ClinVar or OMIM, in any affected individuals. In-silico pathogenicity prediction programs like MutationTaster2021, CADD, Varsome, Franklin etc predicted this variant to be likely deleterious. This variant causes frameshift at the 229th amino acid position of the wild-type transcript which creates a premature translational stop-signal at the altered transcript that may either result in the translation of a truncated protein or cause nonsense-mediated decay of the mRNA.

NM_001378418.1(TCF20):c.686del (p.Gly229fs)

Gene: TCF20 (transcription factor 20; minus strand). Cytogenetic location: 22q13.2.
Variant type: Deletion.
Coding change: c.686del on transcript NM_001378418.1 (MANE Select); coding-DNA position 686, one base deleted (G; older notation c.686delG).
Protein change: p.Gly229fs; shifts the reading frame from glycine 229.
Molecular consequence: frameshift variant.
Genome position (GRCh38, 1-based): chr22:42,214,620, C deleted on the plus strand (G on the coding strand, the reverse complement: TCF20 is on the minus strand); the first of 3 consecutive C bases (chr22:42,214,620-42,214,622); deleting any one gives the same sequence. VCF-style (leftmost placement, unchanged base first): chr22-42214619-AC-A. GRCh37 (hg19) VCF-style: chr22-42610625-AC-A.
Other names: c.686del, p.Gly229fs (NM_005650.4, NM_181492.3); short protein forms G229fs.
Identifiers: ClinVar variation 3767954 (VCV003767954.1).
Genomic context (GRCh38, chr22:42,214,619, plus strand): 5'-TGAAGGGAAGGAGGAGGAGGAGGAGGAGGAAGCAGAAGACTGATAGTGTTGGCCAAACTG[AC>A]CCACTCTTAACTGGTAACCAGCAGCAGAGGATGGCAGAGTTGAGGGCCGCTGCATTGGCT-3'